The following is an entry in ClinVar:

NM_001089.3(ABCA3):c.4967A>C (p.Asp1656Ala)

Gene: ABCA3 (ATP binding cassette subfamily A member 3; minus strand). Cytogenetic location: 16p13.3.
Variant type: single nucleotide variant.
Coding change: c.4967A>C on transcript NM_001089.3 (MANE Select); coding-DNA position 4967, A replaced by C.
Protein change: p.Asp1656Ala; replaces aspartic acid 1656 with alanine.
Molecular consequence: missense variant.
Genome position (GRCh38, 1-based): chr16:2,277,613, T>G on the plus strand (A>C on the coding strand, the complement: ABCA3 is on the minus strand). VCF-style: chr16-2277613-T-G. GRCh37 (hg19) VCF-style: chr16-2327614-T-G.
Other names: short protein forms D1656A.
Identifiers: ClinVar variation 2889506 (VCV002889506.3), dbSNP rs776096880, ClinGen allele CA7839947.

ClinVar aggregate classification (germline): Uncertain significance (1 of 4 stars; one submission).

Allele frequency attached by ClinVar (database versions not stated): ExAC 0.00001; gnomAD exomes 0.00001; TOPMed 0.00001.
gnomAD v4.1: 3 of 1,613,054 alleles (0.00019%); highest among the groups gnomAD compares: Admixed American, 0.005%; no homozygotes.

Submission:

Labcorp Genetics (formerly Invitae), Labcorp
Classification: Uncertain significance. Last evaluated: 2024-01-21. Review status: criteria provided, single submitter. Criteria: Invitae Variant Classification Sherloc (09022015). Collection method: clinical testing. Allele origin: germline.
Comment: This sequence change replaces aspartic acid, which is acidic and polar, with alanine, which is neutral and non-polar, at codon 1656 of the ABCA3 protein (p.Asp1656Ala). This variant is present in population databases (rs776096880, gnomAD 0.006%). This variant has not been reported in the literature in individuals affected with ABCA3-related conditions. Advanced modeling of protein sequence and biophysical properties (such as structural, functional, and spatial information, amino acid conservation, physicochemical variation, residue mobility, and thermodynamic stability) performed at Invitae indicates that this missense variant is not expected to disrupt ABCA3 protein function with a negative predictive value of 80%. In summary, the available evidence is currently insufficient to determine the role of this variant in disease. Therefore, it has been classified as a Variant of Uncertain Significance.